The following is an entry in ClinVar:

NM_001754.5(RUNX1):c.1418del (p.Glu473fs)

Gene: RUNX1 (RUNX family transcription factor 1; minus strand). Cytogenetic location: 21q22.12.
Variant type: Deletion.
Coding change: c.1418del on transcript NM_001754.5 (MANE Select); coding-DNA position 1418, one base deleted (A; older notation c.1418delA).
Protein change: p.Glu473fs; shifts the reading frame from glutamic acid 473.
Molecular consequence: frameshift variant.
Genome position (GRCh38, 1-based): chr21:34,792,160, T deleted on the plus strand (A on the coding strand, the reverse complement: RUNX1 is on the minus strand). VCF-style (leftmost placement, unchanged base first): chr21-34792159-CT-C. GRCh37 (hg19) VCF-style: chr21-36164456-CT-C.
Other names: c.1337del, p.Glu446fs (NM_001001890.3); short protein forms E473fs, E446fs.
Identifiers: ClinVar variation 3948862 (VCV003948862.1).
Genomic context (GRCh38, chr21:34,792,159, plus strand): 5'-CGGCCCGCGGGGCCCAGCCGGGCCAGGCCTGGCGCCTCAGTAGGGCCTCCACACGGCCTC[CT>C]CCAGGCGCGCGGAGGGCGCCATGTTGGTGGGGGAGTTGCTGTGGCTGCCCTCGGCCTCCA-3'

ClinVar aggregate classification (germline): Uncertain significance (1 of 4 stars; one submission).

Conditions:
Inborn genetic diseases. Identifiers: MedGen C0950123, MeSH D030342.

Submission:

Ambry Genetics
Classification: Uncertain significance for Inborn genetic diseases. Last evaluated: 2025-04-17. Review status: criteria provided, single submitter. Criteria: Ambry Variant Classification Scheme 2023. Collection method: clinical testing. Allele origin: germline.
Comment: The c.1418delA variant, located in coding exon 8 of the RUNX1 gene, results from a deletion of one nucleotide at nucleotide position 1418, causing a translational frameshift with a predicted alternate stop codon (p.E473Gfs*121). This alteration occurs at the 3' terminus of theRUNX1 gene, is not expected to trigger nonsense-mediated mRNAdecay and results in the elongation of the protein by 112 amino acids. This frameshift impacts the last 8amino acids of the native protein. Based on internal structural analysis, this variant is anticipated to disrupt a region of known function (Seo W et al. Immunol Cell Biol, 2012 Sep;90:827-30; Ambry internal data); however, the exact functional effect of the altered amino acids is unknown. Based on the available evidence, the clinical significance of this variant remains unclear.

Literature cited by the submitters: PubMed 22370763.